The following is an entry in ClinVar:

ClinVar aggregate classification (germline): Uncertain significance (1 of 4 stars; one submission).

gnomAD v4.1: 6 of 1,613,540 alleles (0.00037%); highest among the groups gnomAD compares: East Asian, 0.0022%; no homozygotes.

Submission:

Labcorp Genetics (formerly Invitae), Labcorp
Classification: Uncertain significance. Last evaluated: 2025-03-18. Review status: criteria provided, single submitter. Criteria: Invitae Variant Classification Sherloc (09022015). Collection method: clinical testing. Allele origin: germline.
Comment: This sequence change replaces proline, which is neutral and non-polar, with serine, which is neutral and polar, at codon 494 of the COL9A3 protein (p.Pro494Ser). This variant is present in population databases (rs747039261, gnomAD 0.005%). This variant has not been reported in the literature in individuals affected with COL9A3-related conditions. Invitae Evidence Modeling of protein sequence and biophysical properties (such as structural, functional, and spatial information, amino acid conservation, physicochemical variation, residue mobility, and thermodynamic stability) indicates that this missense variant is not expected to disrupt COL9A3 protein function with a negative predictive value of 95%. In summary, the available evidence is currently insufficient to determine the role of this variant in disease. Therefore, it has been classified as a Variant of Uncertain Significance.

NM_001853.4(COL9A3):c.1480C>T (p.Pro494Ser)

Genes: COL9A3 (collagen type IX alpha 3 chain; plus strand), LOC126863084 (MED14-independent group 3 enhancer GRCh37_chr20:61467141-61468340; plus strand). Cytogenetic location: 20q13.33.
Variant type: single nucleotide variant.
Coding change: c.1480C>T on transcript NM_001853.4 (MANE Select); coding-DNA position 1480, C replaced by T.
Protein change: p.Pro494Ser; replaces proline 494 with serine.
Molecular consequence: missense variant.
Genome position (GRCh38, 1-based): chr20:62,836,265, C>T. VCF-style: chr20-62836265-C-T. GRCh37 (hg19) VCF-style: chr20-61467617-C-T.
Other names: short protein forms P494S.
Identifiers: ClinVar variation 4809400 (VCV004809400.1).